The following is an entry in ClinVar:

ClinVar aggregate classification (germline): Uncertain significance. Review status: criteria provided, multiple submitters, no conflicts (2 of 4 stars). 3 submissions from 3 submitters: Uncertain significance (3). Last evaluated 2025-04-17.

Conditions:
Familial cancer of breast. Also called: Hereditary breast cancer; hereditary breast carcinoma; BREAST CANCER, FAMILIAL. Identifiers: Orphanet 227535, MedGen C0346153, MONDO:0016419, OMIM 114480. Disease mechanism: loss of function.
Hereditary cancer-predisposing syndrome. Also called: Hereditary neoplastic syndrome; Neoplastic Syndromes, Hereditary; Tumor predisposition; Hereditary Cancer Syndrome. Identifiers: Orphanet 140162, MedGen C0027672, MeSH D009386, MONDO:0015356.
Ataxia-telangiectasia syndrome (AT). Also called: Ataxia telangiectasia (A-T); LOUIS-BAR SYNDROME; Cerebello-oculocutaneous telangiectasia; Immunodeficiency with ataxia telangiectasia; Ataxia-telangiectasia, complementation group D; AT, COMPLEMENTATION GROUP C. Identifiers: Orphanet 100, MedGen C0004135, MONDO:0008840, OMIM 208900.

Allele frequency attached by ClinVar (database versions not stated): TOPMed below 0.00001; gnomAD 0.00001.
gnomAD v4.1: 1 of 1,613,920 alleles (0.000062%); highest among the groups gnomAD compares: Non-Finnish European, 0.000085%; no homozygotes.

Submissions (3):

Labcorp Genetics (formerly Invitae), Labcorp
Classification: Uncertain significance for Ataxia-telangiectasia syndrome. Last evaluated: 2025-04-17. Review status: criteria provided, single submitter. Criteria: Invitae Variant Classification Sherloc (09022015). Collection method: clinical testing. Allele origin: germline.
Comment: This sequence change replaces glutamine, which is neutral and polar, with glutamic acid, which is acidic and polar, at codon 684 of the ATM protein (p.Gln684Glu). This variant is not present in population databases (gnomAD no frequency). This variant has not been reported in the literature in individuals affected with ATM-related conditions. ClinVar contains an entry for this variant (Variation ID: 407706). Invitae Evidence Modeling of protein sequence and biophysical properties (such as structural, functional, and spatial information, amino acid conservation, physicochemical variation, residue mobility, and thermodynamic stability) indicates that this missense variant is not expected to disrupt ATM protein function with a negative predictive value of 95%. In summary, the available evidence is currently insufficient to determine the role of this variant in disease. Therefore, it has been classified as a Variant of Uncertain Significance.

Baylor Genetics
Classification: Uncertain significance for Familial cancer of breast. Last evaluated: 2023-08-09. Review status: criteria provided, single submitter. Criteria: ACMG Guidelines, 2015. Collection method: clinical testing. Allele origin: unknown.

Ambry Genetics
Classification: Uncertain significance for Hereditary cancer-predisposing syndrome. Last evaluated: 2023-06-12. Review status: criteria provided, single submitter. Criteria: Ambry Variant Classification Scheme 2023. Collection method: clinical testing. Allele origin: germline.
Comment: The p.Q684E variant (also known as c.2050C>G), located in coding exon 12 of the ATM gene, results from a C to G substitution at nucleotide position 2050. The glutamine at codon 684 is replaced by glutamic acid, an amino acid with highly similar properties. This amino acid position is well conserved in available vertebrate species. In addition, this alteration is predicted to be tolerated by in silico analysis. Since supporting evidence is limited at this time, the clinical significance of this alteration remains unclear.

NM_000051.4(ATM):c.2050C>G (p.Gln684Glu)

Gene: ATM (ATM serine/threonine kinase; plus strand). Cytogenetic location: 11q22.3.
Variant type: single nucleotide variant.
Coding change: c.2050C>G on transcript NM_000051.4 (MANE Select); coding-DNA position 2050, C replaced by G.
Protein change: p.Gln684Glu; replaces glutamine 684 with glutamic acid.
Molecular consequence: missense variant.
Genome position (GRCh38, 1-based): chr11:108,253,965, C>G. VCF-style: chr11-108253965-C-G. GRCh37 (hg19) VCF-style: chr11-108124692-C-G.
Other names: c.2050C>G, p.Gln684Glu (NM_001351834.2); short protein forms Q684E.
Identifiers: ClinVar variation 407706 (VCV000407706.16), dbSNP rs1060501691, ClinGen allele CA16613273.